The following is an entry in ClinVar:

NM_006767.4(LZTR1):c.445A>C (p.Lys149Gln)

Gene: LZTR1 (leucine zipper like post translational regulator 1; plus strand). Cytogenetic location: 22q11.21.
Variant type: single nucleotide variant.
Coding change: c.445A>C on transcript NM_006767.4 (MANE Select); coding-DNA position 445, A replaced by C.
Protein change: p.Lys149Gln; replaces lysine 149 with glutamine.
Molecular consequence: missense variant.
Genome position (GRCh38, 1-based): chr22:20,988,054, A>C. VCF-style: chr22-20988054-A-C. GRCh37 (hg19) VCF-style: chr22-21342343-A-C.
Other names: short protein forms K149Q.
Identifiers: ClinVar variation 1740752 (VCV001740752.4), dbSNP rs2518613270, ClinGen allele CA410779793.

ClinVar aggregate classification (germline): Uncertain significance. Review status: criteria provided, multiple submitters, no conflicts (2 of 4 stars). 2 submissions from 2 submitters: Uncertain significance (2). Last evaluated 2024-12-24.

Conditions:
Cardiovascular phenotype. Identifiers: MedGen CN230736.
Hereditary cancer-predisposing syndrome. Also called: Hereditary Cancer Syndrome; Hereditary neoplastic syndrome; Neoplastic Syndromes, Hereditary; Tumor predisposition. Identifiers: Orphanet 140162, MedGen C0027672, MeSH D009386, MONDO:0015356.

Submissions (2):

Labcorp Genetics (formerly Invitae), Labcorp
Classification: Uncertain significance. Last evaluated: 2024-12-24. Review status: criteria provided, single submitter. Criteria: Invitae Variant Classification Sherloc (09022015). Collection method: clinical testing. Allele origin: germline.
Comment: This sequence change replaces lysine, which is basic and polar, with glutamine, which is neutral and polar, at codon 149 of the LZTR1 protein (p.Lys149Gln). This variant is not present in population databases (gnomAD no frequency). This variant has not been reported in the literature in individuals affected with LZTR1-related conditions. ClinVar contains an entry for this variant (Variation ID: 1740752). Invitae Evidence Modeling of protein sequence and biophysical properties (such as structural, functional, and spatial information, amino acid conservation, physicochemical variation, residue mobility, and thermodynamic stability) indicates that this missense variant is not expected to disrupt LZTR1 protein function with a negative predictive value of 80%. In summary, the available evidence is currently insufficient to determine the role of this variant in disease. Therefore, it has been classified as a Variant of Uncertain Significance.

Ambry Genetics
Classification: Uncertain significance for Cardiovascular phenotype; Hereditary cancer-predisposing syndrome. Last evaluated: 2022-05-02. Review status: criteria provided, single submitter. Criteria: Ambry Variant Classification Scheme 2023. Collection method: clinical testing. Allele origin: germline.
Comment: The p.K149Q variant (also known as c.445A>C), located in coding exon 5 of the LZTR1 gene, results from an A to C substitution at nucleotide position 445. The lysine at codon 149 is replaced by glutamine, an amino acid with similar properties. This amino acid position is conserved. In addition, the in silico prediction for this alteration is inconclusive. Since supporting evidence is limited at this time, the clinical significance of this alteration remains unclear.